The following is an entry in ClinVar:

NM_001396071.1(TMEM275):c.514C>T (p.Arg172Trp)

Genes: TMEM275 (transmembrane protein 275; minus strand), LOC129930485 (ATAC-STARR-seq lymphoblastoid silent region 846; plus strand). Cytogenetic location: 1p33.
Variant type: single nucleotide variant.
Coding change: c.514C>T on transcript NM_001396071.1 (MANE Select); coding-DNA position 514, C replaced by T.
Protein change: p.Arg172Trp; replaces arginine 172 with tryptophan.
Molecular consequence: missense variant.
Genome position (GRCh38, 1-based): chr1:46,533,014, G>A on the plus strand (C>T on the coding strand, the complement: TMEM275 is on the minus strand). VCF-style: chr1-46533014-G-A. GRCh37 (hg19) VCF-style: chr1-46998686-G-A.
Other names: c.514C>T, p.Arg172Trp (NM_001357063.3); short protein forms R172W.
Identifiers: ClinVar variation 2638800 (VCV002638800.24), dbSNP rs546020419, ClinGen allele CA21924170.

ClinVar aggregate classification (germline): Likely benign (1 of 4 stars; one submission).

Allele frequency attached by ClinVar (database versions not stated): 1000 Genomes Project 0.00260; TOPMed 0.00297; 1000 Genomes Project 30x 0.00312; gnomAD 0.00392; gnomAD exomes 0.00565.

Submission:

CeGaT Center for Human Genetics Tuebingen
Classification: Likely benign. Last evaluated: 2022-12-01. Review status: criteria provided, single submitter. Criteria: CeGaT Center For Human Genetics Tuebingen Variant Classification Criteria Version 2. Collection method: clinical testing. Allele origin: germline. Affected: yes. Observed: 1 variant allele.
Comment: TMEM275: BS2